The following is an entry in ClinVar:

ClinVar aggregate classification (germline): Uncertain significance (1 of 4 stars; one submission).

Allele frequency attached by ClinVar (database versions not stated): gnomAD 0.00001.
gnomAD v4.1: 1 of 1,614,104 alleles (0.000062%); highest among the groups gnomAD compares: Admixed American, 0.0017%; no homozygotes.

Submission:

Labcorp Genetics (formerly Invitae), Labcorp
Classification: Uncertain significance. Last evaluated: 2025-02-17. Review status: criteria provided, single submitter. Criteria: Invitae Variant Classification Sherloc (09022015). Collection method: clinical testing. Allele origin: germline.
Comment: This sequence change replaces glutamic acid, which is acidic and polar, with glutamine, which is neutral and polar, at codon 837 of the NIN protein (p.Glu837Gln). This variant is not present in population databases (gnomAD no frequency). This variant has not been reported in the literature in individuals affected with NIN-related conditions. ClinVar contains an entry for this variant (Variation ID: 2801675). An algorithm developed to predict the effect of missense changes on protein structure and function (PolyPhen-2) suggests that this variant is likely to be disruptive. In summary, the available evidence is currently insufficient to determine the role of this variant in disease. Therefore, it has been classified as a Variant of Uncertain Significance.

NM_020921.4(NIN):c.2509G>C (p.Glu837Gln)

Gene: NIN (ninein; minus strand). Cytogenetic location: 14q22.1.
Variant type: single nucleotide variant.
Coding change: c.2509G>C on transcript NM_020921.4 (MANE Select); coding-DNA position 2509, G replaced by C.
Protein change: p.Glu837Gln; replaces glutamic acid 837 with glutamine.
Molecular consequence: missense variant. On other transcripts: intron variant (1).
Genome position (GRCh38, 1-based): chr14:50,758,521, C>G on the plus strand (G>C on the coding strand, the complement: NIN is on the minus strand). VCF-style: chr14-50758521-C-G. GRCh37 (hg19) VCF-style: chr14-51225239-C-G.
Other names: c.2509G>C, p.Glu837Gln (NM_182944.3, NM_182946.2); c.2399+1336G>C (NM_016350.5); short protein forms E837Q.
Identifiers: ClinVar variation 2801675 (VCV002801675.3), dbSNP rs2042138487, ClinGen allele CA389701112.